The following is an entry in ClinVar:

ClinVar aggregate classification (germline): Likely pathogenic (1 of 4 stars; one submission).

Allele frequency attached by ClinVar (database versions not stated): gnomAD exomes below 0.00001.
gnomAD v4.1: 1 of 1,605,534 alleles (0.000062%); highest among the groups gnomAD compares: Non-Finnish European, 0.000085%; no homozygotes.

Submission:

Labcorp Genetics (formerly Invitae), Labcorp
Classification: Likely pathogenic. Last evaluated: 2023-04-06. Review status: criteria provided, single submitter. Criteria: Invitae Variant Classification Sherloc (09022015). Collection method: clinical testing. Allele origin: germline.
Comment: In summary, the currently available evidence indicates that the variant is pathogenic, but additional data are needed to prove that conclusively. Therefore, this variant has been classified as Likely Pathogenic. Algorithms developed to predict the effect of sequence changes on RNA splicing suggest that this variant may disrupt the consensus splice site. This sequence change affects a donor splice site in intron 47 of the COL2A1 gene. It is expected to disrupt RNA splicing. Variants that disrupt the donor or acceptor splice site typically lead to a loss of protein function (PMID: 16199547), and loss-of-function variants in COL2A1 are known to be pathogenic (PMID: 20179744). This variant is not present in population databases (gnomAD no frequency). Disruption of this splice site has been observed in individual(s) with Stickler syndrome (PMID: 26709265).

Literature cited by the submitters: PubMed 16199547; PubMed 20179744; PubMed 26709265.

NM_001844.5(COL2A1):c.3327+1G>A

Gene: COL2A1 (collagen type II alpha 1 chain; minus strand). Cytogenetic location: 12q13.11.
Variant type: single nucleotide variant.
Coding change: c.3327+1G>A on transcript NM_001844.5 (MANE Select); the canonical splice donor site of the intron after coding-DNA position 3327, G replaced by A.
Molecular consequence: splice donor variant.
Genome position (GRCh38, 1-based): chr12:47,977,101, C>T on the plus strand (G>A on the coding strand, the complement: COL2A1 is on the minus strand). VCF-style: chr12-47977101-C-T. GRCh37 (hg19) VCF-style: chr12-48370884-C-T.
Other names: c.3120+1G>A (NM_033150.3).
Identifiers: ClinVar variation 2852897 (VCV002852897.3), dbSNP rs2540106845, ClinGen allele CA384539361.